The following is an entry in ClinVar:

NM_001374353.1(GLI2):c.1818C>T (p.Gly606=)

Gene: GLI2 (GLI family zinc finger 2; plus strand). Cytogenetic location: 2q14.2.
Variant type: single nucleotide variant.
Coding change: c.1818C>T on transcript NM_001374353.1 (MANE Select); coding-DNA position 1818, C replaced by T.
Protein change: p.Gly606=; no amino-acid change (glycine 606 retained).
Molecular consequence: synonymous variant.
Genome position (GRCh38, 1-based): chr2:120,984,656, C>T. VCF-style: chr2-120984656-C-T. GRCh37 (hg19) VCF-style: chr2-121742232-C-T.
Other names: c.1869C>T, p.Gly623= (NM_001371271.1, NM_005270.5); c.1443C>T, p.Gly481= (NM_001374354.1).
Identifiers: ClinVar variation 4688833 (VCV004688833.1).
Genomic context (GRCh38, chr2:120,984,656, plus strand): 5'-GCACCTCCGCACACCGCTGCTCAAAGAGAATGGGGACAGTGAGGCCGGCACGGAGCCTGG[C>T]GGCCCAGAGAGCACCGAGGCCAGCAGCACCAGCCAGGCCGTGGAGGACTGCCTGCACGTC-3'
Protein context (NP_001361282.1, residues 596-616): NGDSEAGTEP[Gly606=]GPESTEASST

ClinVar aggregate classification (germline): Likely benign (1 of 4 stars; one submission).

gnomAD v4.1: 46 of 1,613,816 alleles (0.0029%); highest among the groups gnomAD compares: Admixed American, 0.0083%; no homozygotes.

Submission:

Women's Health and Genetics/Laboratory Corporation of America, LabCorp
Classification: Likely benign. Last evaluated: 2025-12-24. Review status: criteria provided, single submitter. Criteria: LabCorp Variant Classification Summary - May 2015. Collection method: clinical testing. Allele origin: germline.
Comment: Variant summary: GLI2 c.1869C>T results in a synonymous change. Consensus agreement among computation tools predict no significant impact on normal splicing. However, these predictions have yet to be confirmed by functional studies. The variant allele was found at a frequency of 2.8e-05 in 250272 control chromosomes. The available data on variant occurrences in the general population are insufficient to allow any conclusion about variant significance. To our knowledge, no occurrence of c.1869C>T in individuals affected with GLI2-related conditions and no experimental evidence demonstrating its impact on protein function have been reported. No submitters have cited clinical-significance assessments for this variant to ClinVar. Based on the evidence outlined above, the variant was classified as likely benign.